The following is an entry in ClinVar:

NM_138615.3(DHX30):c.2681G>A (p.Arg894His)

Gene: DHX30 (DExH-box helicase 30; plus strand). Cytogenetic location: 3p21.31.
Variant type: single nucleotide variant.
Coding change: c.2681G>A on transcript NM_138615.3 (MANE Select); coding-DNA position 2681, G replaced by A.
Protein change: p.Arg894His; replaces arginine 894 with histidine.
Molecular consequence: missense variant.
Genome position (GRCh38, 1-based): chr3:47,848,729, G>A. VCF-style: chr3-47848729-G-A. GRCh37 (hg19) VCF-style: chr3-47890219-G-A.
Other names: c.2597G>A, p.Arg866His (NM_001330990.2); c.2564G>A, p.Arg855His (NM_014966.4); short protein forms R855H, R866H, R894H.
Identifiers: ClinVar variation 4875013 (VCV004875013.2).

ClinVar aggregate classification (germline): Uncertain significance (1 of 4 stars; one submission).

Submission:

CeGaT Center for Human Genetics Tuebingen
Classification: Uncertain significance. Last evaluated: 2026-05-01. Review status: criteria provided, single submitter. Criteria: CeGaT Center For Human Genetics Tuebingen Variant Classification Criteria Version 2. Collection method: clinical testing. Allele origin: germline. Affected: yes. Observed: 1 variant allele.
Comment: DHX30: PM2, PP2